The following is an entry in ClinVar:

ClinVar aggregate classification (germline): Uncertain significance (1 of 4 stars; one submission).

gnomAD v4.1: 1 of 1,614,088 alleles (0.000062%); highest among the groups gnomAD compares: Admixed American, 0.0017%; no homozygotes.

Submission:

Labcorp Genetics (formerly Invitae), Labcorp
Classification: Uncertain significance. Last evaluated: 2024-12-18. Review status: criteria provided, single submitter. Criteria: Invitae Variant Classification Sherloc (09022015). Collection method: clinical testing. Allele origin: germline.
Comment: This sequence change replaces asparagine, which is neutral and polar, with aspartic acid, which is acidic and polar, at codon 1468 of the KIDINS220 protein (p.Asn1468Asp). This variant is not present in population databases (gnomAD no frequency). This variant has not been reported in the literature in individuals affected with KIDINS220-related conditions. An algorithm developed to predict the effect of missense changes on protein structure and function (PolyPhen-2) suggests that this variant is likely to be tolerated. In summary, the available evidence is currently insufficient to determine the role of this variant in disease. Therefore, it has been classified as a Variant of Uncertain Significance.

NM_020738.4(KIDINS220):c.4402A>G (p.Asn1468Asp)

Gene: KIDINS220 (kinase D interacting substrate 220; minus strand). Cytogenetic location: 2p25.1.
Variant type: single nucleotide variant.
Coding change: c.4402A>G on transcript NM_020738.4 (MANE Select); coding-DNA position 4402, A replaced by G.
Protein change: p.Asn1468Asp; replaces asparagine 1468 with aspartic acid.
Molecular consequence: missense variant. On other transcripts: intron variant (6).
Genome position (GRCh38, 1-based): chr2:8,731,634, T>C on the plus strand (A>G on the coding strand, the complement: KIDINS220 is on the minus strand). VCF-style: chr2-8731634-T-C. GRCh37 (hg19) VCF-style: chr2-8871764-T-C.
Other names: c.4405A>G, p.Asn1469Asp (NM_001348729.2); c.4348A>G, p.Asn1450Asp (NM_001348731.2); c.4345A>G, p.Asn1449Asp (NM_001348732.2); c.4234A>G, p.Asn1412Asp (NM_001348734.2); c.4231A>G, p.Asn1411Asp (NM_001348735.2); c.4105A>G, p.Asn1369Asp (NM_001348736.2); c.3882+1810A>G (NM_001348741.2, NM_001348742.2, NM_001348743.2); c.3996+1810A>G (NM_001348738.2); and 1 more; short protein forms N1369D, N1411D, N1412D, N1449D, N1450D, N1468D, N1469D.
Identifiers: ClinVar variation 3612066 (VCV003612066.2).